The following is an entry in ClinVar:

NM_000637.5(GSR):c.1334C>T (p.Thr445Met)

Gene: GSR (glutathione-disulfide reductase; minus strand). Cytogenetic location: 8p12.
Variant type: single nucleotide variant.
Coding change: c.1334C>T on transcript NM_000637.5 (MANE Select); coding-DNA position 1334, C replaced by T.
Protein change: p.Thr445Met; replaces threonine 445 with methionine.
Molecular consequence: missense variant.
Genome position (GRCh38, 1-based): chr8:30,680,989, G>A on the plus strand (C>T on the coding strand, the complement: GSR is on the minus strand). VCF-style: chr8-30680989-G-A. GRCh37 (hg19) VCF-style: chr8-30538506-G-A.
Other names: c.1334C>T (NM_000637.3); c.1247C>T, p.Thr416Met (NM_001195102.3); c.1175C>T, p.Thr392Met (NM_001195103.3); c.1088C>T, p.Thr363Met (NM_001195104.3); short protein forms T363M, T392M, T416M, T445M.
Identifiers: ClinVar variation 994024 (VCV000994024.11), dbSNP rs778165636, ClinGen allele CA4701213.
Genomic context (GRCh38, chr8:30,680,989, plus strand): 5'-ATTTTCATCACACATTTTGTTTTCCTTTTGGTAACTGCGTGATACATCGGGGTAAAGCTC[G>A]TTGAATAGGTCTTCACATTTTCTATTCCATATTTATGAATGGCTTCATCTACAATGCACA-3'
Protein context (NP_000628.2, residues 435-455): YGIENVKTYS[Thr445Met]SFTPMYHAVT

ClinVar aggregate classification (germline): Uncertain significance. Review status: criteria provided, multiple submitters, no conflicts (2 of 4 stars). 3 submissions from 3 submitters: Uncertain significance (3). Last evaluated 2025-08-10.

Conditions:
Hemolytic anemia due to glutathione reductase deficiency (CNSHA10). Also called: ANEMIA, CONGENITAL, NONSPHEROCYTIC HEMOLYTIC, 10. Identifiers: Orphanet 90030, MedGen C5231513, MONDO:0019531, OMIM 618660.

Allele frequency attached by ClinVar (database versions not stated): gnomAD exomes 0.00004 and 0.00014; gnomAD 0.00005 and 0.00006; TOPMed 0.00008; ExAC 0.00015.
gnomAD v4.1: 60 of 1,608,644 alleles (0.0037%); highest among the groups gnomAD compares: Admixed American, 0.065%; no homozygotes.

Submissions (3):

Ambry Genetics
Classification: Uncertain significance. Last evaluated: 2025-08-10. Review status: criteria provided, single submitter. Criteria: Ambry Variant Classification Scheme 2023. Collection method: clinical testing. Allele origin: germline.

Labcorp Genetics (formerly Invitae), Labcorp
Classification: Uncertain significance. Last evaluated: 2024-05-22. Review status: criteria provided, single submitter. Criteria: Invitae Variant Classification Sherloc (09022015). Collection method: clinical testing. Allele origin: germline.
Comment: This sequence change replaces threonine, which is neutral and polar, with methionine, which is neutral and non-polar, at codon 445 of the GSR protein (p.Thr445Met). This variant is present in population databases (rs778165636, gnomAD 0.09%). This variant has not been reported in the literature in individuals affected with GSR-related conditions. ClinVar contains an entry for this variant (Variation ID: 994024). Advanced modeling of protein sequence and biophysical properties (such as structural, functional, and spatial information, amino acid conservation, physicochemical variation, residue mobility, and thermodynamic stability) has been performed at Invitae for this missense variant, however the output from this modeling did not meet the statistical confidence thresholds required to predict the impact of this variant on GSR protein function. In summary, the available evidence is currently insufficient to determine the role of this variant in disease. Therefore, it has been classified as a Variant of Uncertain Significance.

ARUP Laboratories, Molecular Genetics and Genomics, ARUP Laboratories
Classification: Uncertain significance for Hemolytic anemia due to glutathione reductase deficiency. Last evaluated: 2019-08-22. Review status: criteria provided, single submitter. Criteria: ARUP Molecular Germline Variant Investigation Process. Collection method: clinical testing. Allele origin: germline.